The following is an entry in ClinVar:

NM_000553.6(WRN):c.1073A>G (p.Asp358Gly)

Gene: WRN (WRN RecQ like helicase; plus strand). Cytogenetic location: 8p12.
Variant type: single nucleotide variant.
Coding change: c.1073A>G on transcript NM_000553.6 (MANE Select); coding-DNA position 1073, A replaced by G.
Protein change: p.Asp358Gly; replaces aspartic acid 358 with glycine.
Molecular consequence: missense variant.
Genome position (GRCh38, 1-based): chr8:31,081,100, A>G. VCF-style: chr8-31081100-A-G. GRCh37 (hg19) VCF-style: chr8-30938616-A-G.
Other names: short protein forms D358G.
Identifiers: ClinVar variation 644441 (VCV000644441.6), dbSNP rs780287000, ClinGen allele CA4704246.

ClinVar aggregate classification (germline): Uncertain significance (1 of 4 stars; one submission).

Conditions:
Werner syndrome (WRN). Identifiers: Orphanet 902, MedGen C0043119, MONDO:0010196, OMIM 277700.

Allele frequency attached by ClinVar (database versions not stated): gnomAD 0.00001; ExAC 0.00002; TOPMed 0.00002.
gnomAD v4.1: 9 of 1,613,974 alleles (0.00056%); highest among the groups gnomAD compares: East Asian, 0.0022%; no homozygotes.

Submission:

Labcorp Genetics (formerly Invitae), Labcorp
Classification: Uncertain significance for Werner syndrome. Last evaluated: 2025-11-17. Review status: criteria provided, single submitter. Criteria: Invitae Variant Classification Sherloc (09022015). Collection method: clinical testing. Allele origin: germline.
Comment: This sequence change replaces aspartic acid, which is acidic and polar, with glycine, which is neutral and non-polar, at codon 358 of the WRN protein (p.Asp358Gly). This variant is present in population databases (rs780287000, gnomAD 0.006%). This variant has not been reported in the literature in individuals affected with WRN-related conditions. ClinVar contains an entry for this variant (Variation ID: 644441). An algorithm developed to predict the effect of missense changes on protein structure and function outputs the following: PolyPhen-2: "Benign". The glycine amino acid residue is found in multiple mammalian species, which suggests that this missense change does not adversely affect protein function. In summary, the available evidence is currently insufficient to determine the role of this variant in disease. Therefore, it has been classified as a Variant of Uncertain Significance.